The following is an entry in ClinVar:

ClinVar aggregate classification (germline): Uncertain significance (1 of 4 stars; one submission).

Conditions:
Hereditary cancer-predisposing syndrome. Also called: Neoplastic Syndromes, Hereditary; Tumor predisposition; Hereditary Cancer Syndrome; Hereditary neoplastic syndrome. Identifiers: Orphanet 140162, MedGen C0027672, MeSH D009386, MONDO:0015356.

Submission:

Ambry Genetics
Classification: Uncertain significance for Hereditary cancer-predisposing syndrome. Last evaluated: 2022-09-22. Review status: criteria provided, single submitter. Criteria: Ambry Variant Classification Scheme 2023. Collection method: clinical testing. Allele origin: germline.
Comment: The c.784-5C>G intronic variant results from a C to G substitution 5 nucleotides upstream from coding exon 4 in the MEN1 gene. This nucleotide position is not well conserved in available vertebrate species. In silico splice site analysis for this alteration is inconclusive. Since supporting evidence is limited at this time, the clinical significance of this alteration remains unclear.

NM_001370259.2(MEN1):c.784-5C>G

Gene: MEN1 (menin 1; minus strand). Cytogenetic location: 11q13.1.
Variant type: single nucleotide variant.
Coding change: c.784-5C>G on transcript NM_001370259.2 (MANE Select); 5 bases into the intron before coding-DNA position 784, C replaced by G.
Molecular consequence: intron variant.
Genome position (GRCh38, 1-based): chr11:64,807,224, G>C on the plus strand (C>G on the coding strand, the complement: MEN1 is on the minus strand). VCF-style: chr11-64807224-G-C. GRCh37 (hg19) VCF-style: chr11-64574696-G-C.
Other names: c.799-5C>G (NM_130804.3, NM_130803.3, NM_000244.4 and 3 more transcripts); c.784-5C>G (NM_130799.3, NM_001370260.2, NM_001370251.2 and 1 more transcripts); c.679-5C>G (NM_001370263.2, NM_001370262.2).
Identifiers: ClinVar variation 1760870 (VCV001760870.2), dbSNP rs1399545937, ClinGen allele CA2580084507.